The following is an entry in ClinVar:

ClinVar aggregate classification (germline): Uncertain significance. Review status: criteria provided, multiple submitters, no conflicts (2 of 4 stars). 3 submissions from 3 submitters: Uncertain significance (3). Last evaluated 2025-07-11.

Conditions:
Hereditary cancer-predisposing syndrome. Also called: Neoplastic Syndromes, Hereditary; Tumor predisposition; Hereditary Cancer Syndrome; Hereditary neoplastic syndrome. Identifiers: Orphanet 140162, MedGen C0027672, MeSH D009386, MONDO:0015356.
Familial adenomatous polyposis 1 (FAP1). Also called: FAMILIAL ADENOMATOUS POLYPOSIS 1, ATTENUATED; POLYPOSIS, ADENOMATOUS INTESTINAL. Identifiers: MedGen C2713442, MONDO:0021056, OMIM 175100. Disease mechanism: loss of function.

Submissions (3):

Ambry Genetics
Classification: Uncertain significance for Hereditary cancer-predisposing syndrome. Last evaluated: 2025-07-11. Review status: criteria provided, single submitter. Criteria: Ambry Variant Classification Scheme 2023. Collection method: clinical testing. Allele origin: germline.
Comment: The p.T2229K variant (also known as c.6686C>A), located in coding exon 15 of the APC gene, results from a C to A substitution at nucleotide position 6686. The threonine at codon 2229 is replaced by lysine, an amino acid with similar properties. This amino acid position is highly conserved in available vertebrate species. In addition, in silico predictors for this gene do not accurately predict pathogenicity. Missense alterations in APC are not a common cause of disease (Spier I et al. Genet Med. 2024 Feb;26(2):100992). Based on the available evidence, the clinical significance of this variant remains unclear.

Labcorp Genetics (formerly Invitae), Labcorp
Classification: Uncertain significance for Familial adenomatous polyposis 1. Last evaluated: 2024-04-11. Review status: criteria provided, single submitter. Criteria: Invitae Variant Classification Sherloc (09022015). Collection method: clinical testing. Allele origin: germline.
Comment: This sequence change replaces threonine, which is neutral and polar, with lysine, which is basic and polar, at codon 2229 of the APC protein (p.Thr2229Lys). This variant is not present in population databases (gnomAD no frequency). This variant has not been reported in the literature in individuals affected with APC-related conditions. ClinVar contains an entry for this variant (Variation ID: 920222). Advanced modeling of protein sequence and biophysical properties (such as structural, functional, and spatial information, amino acid conservation, physicochemical variation, residue mobility, and thermodynamic stability) performed at Invitae indicates that this missense variant is not expected to disrupt APC protein function with a negative predictive value of 95%. In summary, the available evidence is currently insufficient to determine the role of this variant in disease. Therefore, it has been classified as a Variant of Uncertain Significance.

Color Diagnostics, LLC DBA Color Health
Classification: Uncertain significance for Hereditary cancer-predisposing syndrome. Last evaluated: 2023-12-05. Review status: criteria provided, single submitter. Criteria: ACMG Guidelines, 2015. Collection method: clinical testing. Allele origin: germline.
Comment: This missense variant replaces threonine with lysine at codon 2229 of the APC protein. Computational prediction suggests that this variant may have deleterious impact on protein structure and function (internally defined REVEL score threshold >= 0.7, PMID: 27666373). To our knowledge, functional studies have not been reported for this variant. This variant has not been reported in individuals affected with APC-related disorders in the literature. This variant has not been identified in the general population by the Genome Aggregation Database (gnomAD). The available evidence is insufficient to determine the role of this variant in disease conclusively. Therefore, this variant is classified as a Variant of Uncertain Significance.

NM_000038.6(APC):c.6686C>A (p.Thr2229Lys)

Gene: APC (APC regulator of Wnt signaling pathway; plus strand). Cytogenetic location: 5q22.2.
Variant type: single nucleotide variant.
Coding change: c.6686C>A on transcript NM_000038.6 (MANE Select); coding-DNA position 6686, C replaced by A.
Protein change: p.Thr2229Lys; replaces threonine 2229 with lysine.
Molecular consequence: missense variant.
Genome position (GRCh38, 1-based): chr5:112,842,280, C>A. VCF-style: chr5-112842280-C-A. GRCh37 (hg19) VCF-style: chr5-112177977-C-A.
Other names: c.6509C>A, p.Thr2170Lys (NM_001354901.2); c.6413C>A, p.Thr2138Lys (NM_001354902.2); c.6383C>A, p.Thr2128Lys (NM_001354903.2); c.6308C>A, p.Thr2103Lys (NM_001354904.2); c.6206C>A, p.Thr2069Lys (NM_001354905.2); c.5837C>A, p.Thr1946Lys (NM_001354906.2); c.6686C>A, p.Thr2229Lys (NM_001127510.3, NM_001354895.2); c.6632C>A, p.Thr2211Lys (NM_001127511.3); and 5 more; short protein forms T2188K, T1946K, T2103K, T2229K, T2247K, T2138K, T2211K, T2239K.
Identifiers: ClinVar variation 920222 (VCV000920222.15), dbSNP rs777507308, ClinGen allele CA16035948.